The following is an entry in ClinVar:

ClinVar aggregate classification (germline): Uncertain significance (1 of 4 stars; one submission).

Conditions:
Hereditary cancer-predisposing syndrome. Also called: Tumor predisposition; Hereditary Cancer Syndrome; Neoplastic Syndromes, Hereditary; Hereditary neoplastic syndrome. Identifiers: Orphanet 140162, MedGen C0027672, MeSH D009386, MONDO:0015356.

Allele frequency attached by ClinVar (database versions not stated): gnomAD exomes below 0.00001.

Submission:

Ambry Genetics
Classification: Uncertain significance for Hereditary cancer-predisposing syndrome. Last evaluated: 2025-09-10. Review status: criteria provided, single submitter. Criteria: Ambry Variant Classification Scheme 2023. Collection method: clinical testing. Allele origin: germline.
Comment: The p.A950T variant (also known as c.2848G>A), located in coding exon 25 of the TSC2 gene, results from a G to A substitution at nucleotide position 2848. The alanine at codon 950 is replaced by threonine, an amino acid with similar properties. This amino acid position is well conserved in available vertebrate species. In addition, the in silico prediction for this alteration is inconclusive. Since supporting evidence is limited at this time, the clinical significance of this alteration remains unclear.

NM_000548.5(TSC2):c.2848G>A (p.Ala950Thr)

Gene: TSC2 (TSC complex subunit 2; plus strand). Cytogenetic location: 16p13.3.
Variant type: single nucleotide variant.
Coding change: c.2848G>A on transcript NM_000548.5 (MANE Select); coding-DNA position 2848, G replaced by A.
Protein change: p.Ala950Thr; replaces alanine 950 with threonine.
Molecular consequence: missense variant. On other transcripts: intron variant (9).
Genome position (GRCh38, 1-based): chr16:2,077,608, G>A. VCF-style: chr16-2077608-G-A. GRCh37 (hg19) VCF-style: chr16-2127609-G-A.
Other names: c.2848G>A, p.Ala950Thr (NM_001114382.3, NM_001406663.1, NM_001406664.1); c.2737G>A, p.Ala913Thr (NM_001406670.1); c.2701G>A, p.Ala901Thr (NM_001406675.1, NM_001406676.1); c.2248G>A, p.Ala750Thr (NM_001406680.1, NM_001406682.1, NM_001406683.1 and 1 more transcripts); c.1504G>A, p.Ala502Thr (NM_001406689.1); c.2837+1023G>A (NM_021055.3, NM_001370405.1, NM_001363528.2 and 2 more transcripts); c.2726+1023G>A (NM_001318827.2); c.2237+1023G>A (NM_001318831.2); and 2 more; short protein forms A750T, A901T, A913T, A950T, A502T.
Identifiers: ClinVar variation 1796793 (VCV001796793.3), dbSNP rs886051792, ClinGen allele CA394280770.
Genomic context (GRCh38, chr16:2,077,608, plus strand): 5'-CCCGGGAGCTGGGCTCTCTGGGGCGTTGGGGCTCCTTCCTCACCCGATAGTCTGAGGATA[G>A]CCAGACCCCCCAAACAAGGCTTGAATAACTCTCCACCCGTGAAAGAATTCAAGGAGAGCT-3'
Protein context (NP_000539.2, residues 940-960): LNERPKSLRI[Ala950Thr]RPPKQGLNNS